The following is an entry in ClinVar:

ClinVar aggregate classification (germline): Pathogenic (1 of 4 stars; one submission).

Conditions:
Neurodevelopmental disorder with hypotonia, neuropathy, and deafness (NEDHND). Also called: Myopathy, congenital, with neuropathy and deafness; SPTBN4 Disorder. Identifiers: MedGen C4479603, MONDO:0060496, OMIM 617519.

Submission:

Charité Universitätsmedizin Berlin, Charite Universitaetsmedizin Berlin
Classification: Pathogenic for Neurodevelopmental disorder with hypotonia, neuropathy, and deafness. Last evaluated: 2020-07-01. Review status: criteria provided, single submitter. Criteria: ACMG Guidelines, 2015. Collection method: clinical testing. Allele origin: inherited. Inheritance: Autosomal recessive inheritance. Affected: yes.
Comment: According to the Standards and Guidelines for the Interpretation of Sequence Variants developed by the American College of Medical Genetics and Genomics the evidence of pathogenicity of the c.1247del p.(Ala416Profs*6) variant is very strong because null variants are a known mechanism of pathogenicity consistent with the established inheritance pattern for the disease.

NM_020971.3(SPTBN4):c.1249del (p.Leu417fs)

Gene: SPTBN4 (spectrin beta, non-erythrocytic 4; plus strand). Cytogenetic location: 19q13.2.
Variant type: Deletion.
Coding change: c.1249del on transcript NM_020971.3 (MANE Select); coding-DNA position 1249, one base deleted (C; older notation c.1249delC).
Protein change: p.Leu417fs; shifts the reading frame from leucine 417.
Molecular consequence: frameshift variant.
Genome position (GRCh38, 1-based): chr19:40,502,820, C deleted; the last of 3 consecutive C bases (chr19:40,502,818-40,502,820); deleting any one gives the same sequence. VCF-style (leftmost placement, unchanged base first): chr19-40502817-GC-G. GRCh37 (hg19) VCF-style: chr19-41008724-GC-G.
Other names: c.1247del (NM_020971.3); short protein forms L417fs.
Identifiers: ClinVar variation 988586 (VCV000988586.2), dbSNP rs2080278571, ClinGen allele CA1139666457.
Genomic context (GRCh38, chr19:40,502,817, plus strand): 5'-TCCTCCCATCTCCTGCAGGCATGGGGTGAGCTGGAGAAGGCTGAGCATGAGCGGGAGGCT[GC>G]CCTACGGGCTGAGCTGATTCGGCAGGAGAAGCTGGAACTACTGGCACAGAGGTTTGACCA-3'